The following is an entry in ClinVar:

NM_001386135.1(AFF3):c.599C>G (p.Pro200Arg)

Gene: AFF3 (ALF transcription elongation factor 3; minus strand). Cytogenetic location: 2q11.2.
Variant type: single nucleotide variant.
Coding change: c.599C>G on transcript NM_001386135.1 (MANE Select); coding-DNA position 599, C replaced by G.
Protein change: p.Pro200Arg; replaces proline 200 with arginine.
Molecular consequence: missense variant.
Genome position (GRCh38, 1-based): chr2:100,006,906, G>C on the plus strand (C>G on the coding strand, the complement: AFF3 is on the minus strand). VCF-style: chr2-100006906-G-C. GRCh37 (hg19) VCF-style: chr2-100623368-G-C.
Other names: c.674C>G, p.Pro225Arg (NM_001025108.2); c.599C>G, p.Pro200Arg (NM_002285.3); short protein forms P225R, P200R.
Identifiers: ClinVar variation 4982757 (VCV004982757.1).
Genomic context (GRCh38, chr2:100,006,906, plus strand): 5'-AGGGATGGAGGAAAGTTCTGAACACAGTGTCCGCTGCTGCTGTGCTTGGCCGCCATGGCA[G>C]GTGGCCTCTCCTGGGTCTGAAGGCCCACCTCCACATTGCACACTTGTTTGGCCCGAGGCT-3'
Protein context (NP_001373064.1, residues 190-210): EVGLQTQERP[Pro200Arg]AMAAKHSSSG

ClinVar aggregate classification (germline): Uncertain significance (1 of 4 stars; one submission).

Conditions:
AFF3-related disorder. Also called: AFF3-related condition.

Submission:

PreventionGenetics, part of Exact Sciences
Classification: Uncertain significance for AFF3-related condition. Last evaluated: 2025-06-02. Review status: criteria provided, single submitter. Criteria: ACMG Guidelines, 2015. Collection method: clinical testing. Allele origin: germline.
Comment: The AFF3 c.599C>G variant is predicted to result in the amino acid substitution p.Pro200Arg. To our knowledge, this variant has not been reported in the literature or in a large population database (gnomAD), indicating this variant is rare. At this time, the clinical significance of this variant is uncertain due to the absence of conclusive functional and genetic evidence.